The following is an entry in ClinVar:

ClinVar aggregate classification (germline): Conflicting classifications of pathogenicity. Review status: criteria provided, conflicting classifications (1 of 4 stars). 9 submissions from 9 submitters: Uncertain significance (6); Likely benign (3). Last evaluated 2025-10-13.

Conditions:
Cardiovascular phenotype. Identifiers: MedGen CN230736.
Catecholaminergic polymorphic ventricular tachycardia (CVPT). Also called: Catecholamine-induced polymorphic ventricular tachycardia. Identifiers: Orphanet 3286, MedGen C5574922, MONDO:0017990.
Cardiomyopathy (CMYO). Also called: Cardiomyopathies. Identifiers: Orphanet 167848, MedGen C0878544, MONDO:0004994, HP:0001638. Inheritance: Various modes of inheritance.
Catecholaminergic polymorphic ventricular tachycardia 1. Also called: VENTRICULAR TACHYCARDIA, CATECHOLAMINERGIC POLYMORPHIC, 1, WITH OR WITHOUT ATRIAL DYSFUNCTION AND/OR DILATED CARDIOMYOPATHY; VENTRICULAR TACHYCARDIA, STRESS-INDUCED POLYMORPHIC 1; RYR2-Related Catecholaminergic Polymorphic Ventricular Tachycardia. Identifiers: Orphanet 3286, MedGen C1631597, MONDO:0011484, OMIM 604772.

Allele frequency attached by ClinVar (database versions not stated): gnomAD exomes 0.00002 and 0.00005; TOPMed 0.00002; ExAC 0.00008.
gnomAD v4.1: 23 of 1,606,942 alleles (0.0014%); highest among the groups gnomAD compares: Admixed American, 0.0068%; no homozygotes.

Submissions (9):

Labcorp Genetics (formerly Invitae), Labcorp
Classification: Likely benign for Catecholaminergic polymorphic ventricular tachycardia 1. Last evaluated: 2025-10-13. Review status: criteria provided, single submitter. Criteria: Invitae Variant Classification Sherloc (09022015). Collection method: clinical testing. Allele origin: germline.

Ambry Genetics
Classification: Likely benign for Cardiovascular phenotype. Last evaluated: 2024-11-09. Review status: criteria provided, single submitter. Criteria: Ambry Variant Classification Scheme 2023. Collection method: clinical testing. Allele origin: germline.

Blueprint Genetics
Classification: Likely benign. Last evaluated: 2024-04-02. Review status: criteria provided, single submitter. Criteria: ACMG Guidelines, 2015. Collection method: clinical testing. Allele origin: germline.

Color Diagnostics, LLC DBA Color Health
Classification: Uncertain significance for Cardiomyopathy. Last evaluated: 2024-02-07. Review status: criteria provided, single submitter. Criteria: ACMG Guidelines, 2015. Collection method: clinical testing. Allele origin: germline.
Comment: This missense variant replaces proline with serine at codon 4534 of the RYR2 protein. Computational prediction suggests that this variant may not impact protein structure and function (internally defined REVEL score threshold <= 0.5, PMID: 27666373). To our knowledge, functional studies have not been reported for this variant. This variant has been reported in an individual afflicted with unspecified cardiomyopathy (PMID: 30847666). This variant has been identified in 11/237172 chromosomes in the general population by the Genome Aggregation Database (gnomAD). The available evidence is insufficient to determine the role of this variant in disease conclusively. Therefore, this variant is classified as a Variant of Uncertain Significance.

All of Us Research Program, National Institutes of Health
Classification: Uncertain significance for Catecholaminergic polymorphic ventricular tachycardia. Last evaluated: 2023-11-30. Review status: criteria provided, single submitter. Criteria: ACMG Guidelines, 2015. Collection method: clinical testing. Allele origin: germline. Inheritance: Autosomal dominant inheritance. Observed: 11 variant alleles, 11 heterozygotes.
Comment: This missense variant replaces proline with serine at codon 4534 of the RYR2 protein. Computational prediction suggests that this variant may not impact protein structure and function (internally defined REVEL score threshold <= 0.5, PMID: 27666373). To our knowledge, functional studies have not been reported for this variant. This variant has been reported in an individual afflicted with unspecified cardiomyopathy (PMID: 30847666). This variant has been identified in 11/237172 chromosomes in the general population by the Genome Aggregation Database (gnomAD). The available evidence is insufficient to determine the role of this variant in disease conclusively. Therefore, this variant is classified as a Variant of Uncertain Significance.

This study involves interpretation of variants in research participants for the purpose of population health screening. Participant phenotype was not available at the time of variant classification. Additional details can be found in publication PMID: 35346344, PMCID: PMC8962531

CeGaT Center for Human Genetics Tuebingen
Classification: Uncertain significance. Last evaluated: 2023-01-01. Review status: criteria provided, single submitter. Criteria: CeGaT Center For Human Genetics Tuebingen Variant Classification Criteria Version 2. Collection method: clinical testing. Allele origin: germline. Affected: yes. Observed: 1 variant allele.

GeneDx
Classification: Uncertain significance. Last evaluated: 2015-10-30. Review status: criteria provided, single submitter. Criteria: GeneDx Variant Classification (06012015). Collection method: clinical testing. Allele origin: germline. Affected: yes.
Comment: p.Pro4534Ser (CCC>TCC): c.13600 C>T in exon 94 of the RYR2 gene (NM_001035.2). The Pro4534Ser variant in the RYR2 gene has not been reported as a disease-causing mutation or as a benign polymorphism to our knowledge. Pro4534Ser was not observed in approximately 6000 individuals of European and African American ancestry in the NHLBI Exome Sequencing Project, indicating it is not a common benign variant in these populations. Pro4534Ser results in a non-conservative amino acid substitution of a non-polar Proline with a polar Serine at a position that is not well conserved across species, but is located in one of three mutation hot spot regions in the RYR2 gene (Medeiros- Domingo A et al., 2009). Nevertheless, in-silico analysis programs predict Pro4534Ser is benign to the protein structure/function. We cannot definitively determine if Pro4534Ser is a disease-causing mutation or a rare benign variant. The variant is found in POSTMORTEM panel(s).

Stanford Center for Inherited Cardiovascular Disease, Stanford University
Classification: Uncertain significance. Last evaluated: 2015-06-01. Review status: criteria provided, single submitter. Criteria: ACMG Guidelines, 2015. Collection method: provider interpretation. Allele origin: germline.

Biesecker Lab/Clinical Genomics Section, National Institutes of Health
Classification: Uncertain significance. Last evaluated: 2013-06-24. Review status: criteria provided, single submitter. Criteria: Ng et al. (Circ Cardiovasc Genet. 2013). Collection method: research. Allele origin: unknown. Observed: 1 variant allele. Study: ClinSeq.
Comment: The study set was not selected for affection status in relation to any cancer. Pathogenicity categories were based on literature curation. See Pubmed ID:23861362 for details.

Medical sequencing

Literature cited by the submitters: PubMed 30847666 (cited by 3 submitters).

NM_001035.3(RYR2):c.13600C>T (p.Pro4534Ser)

Gene: RYR2 (ryanodine receptor 2; plus strand). Cytogenetic location: 1q43.
Variant type: single nucleotide variant.
Coding change: c.13600C>T on transcript NM_001035.3 (MANE Select); coding-DNA position 13600, C replaced by T.
Protein change: p.Pro4534Ser; replaces proline 4534 with serine.
Molecular consequence: missense variant.
Genome position (GRCh38, 1-based): chr1:237,792,141, C>T. VCF-style: chr1-237792141-C-T. GRCh37 (hg19) VCF-style: chr1-237955441-C-T.
Other names: p.P4534S:CCC>TCC; c.13600C>T, p.Pro4534Ser (LRG_402t1); short protein forms P4534S.
Identifiers: ClinVar variation 191491 (VCV000191491.45), dbSNP rs199624074, ClinGen allele CA007989.